The following is an entry in ClinVar:

ClinVar aggregate classification (germline): Benign/Likely benign. Review status: criteria provided, multiple submitters, no conflicts (2 of 4 stars). 9 submissions from 9 submitters: Benign (4); Likely benign (4). 1 of the submissions does not count toward it. Last evaluated 2026-02-01.

Conditions:
Emery-Dreifuss muscular dystrophy 5, autosomal dominant (EDMD5). Also called: EMERY-DREIFUSS MUSCULAR DYSTROPHY 5. Identifiers: Orphanet 261, MedGen C2751805, MONDO:0013072, OMIM 612999.

Allele frequency attached by ClinVar (database versions not stated): 1000 Genomes Project 0.00040; 1000 Genomes Project 30x 0.00047; TOPMed 0.00227; ExAC 0.00237; gnomAD 0.00255 and 0.00259; gnomAD exomes 0.00284 and 0.00336; ESP Exome Variant Server 0.00346.

Submissions (9):

CeGaT Center for Human Genetics Tuebingen
Classification: Likely benign. Last evaluated: 2026-02-01. Review status: criteria provided, single submitter. Criteria: CeGaT Center For Human Genetics Tuebingen Variant Classification Criteria Version 2. Collection method: clinical testing. Allele origin: germline. Affected: yes. Observed: 19 variant alleles.
Comment: SYNE2: BP4, BS1

Labcorp Genetics (formerly Invitae), Labcorp
Classification: Likely benign for Emery-Dreifuss muscular dystrophy 5, autosomal dominant. Last evaluated: 2026-01-26. Review status: criteria provided, single submitter. Criteria: Invitae Variant Classification Sherloc (09022015). Collection method: clinical testing. Allele origin: germline.

Athena Diagnostics
Classification: Benign. Last evaluated: 2024-06-26. Review status: criteria provided, single submitter. Criteria: Athena Diagnostics Criteria. Collection method: clinical testing. Allele origin: unknown.

Illumina Laboratory Services, Illumina
Classification: Benign for Emery-Dreifuss muscular dystrophy 5, autosomal dominant. Last evaluated: 2018-01-13. Review status: criteria provided, single submitter. Criteria: ICSL Variant Classification Criteria 13 December 2019. Collection method: clinical testing. Allele origin: germline.
Comment: This variant was observed in the ICSL laboratory as part of a predisposition screen in an ostensibly healthy population. It had not been previously curated by ICSL or reported in the Human Gene Mutation Database (HGMD: prior to June 1st, 2018), and was therefore a candidate for classification through an automated scoring system. Utilizing variant allele frequency, disease prevalence and penetrance estimates, and inheritance mode, an automated score was calculated to assess if this variant is too frequent to cause the disease. Based on the score and internal cut-off values, a variant classified as benign is not then subjected to further curation. The score for this variant resulted in a classification of benign for this disease.

Clinical Genetics DNA and cytogenetics Diagnostics Lab, Erasmus MC, Erasmus Medical Center
Classification: Benign for Emery-Dreifuss muscular dystrophy 5, autosomal dominant. Last evaluated: 2015-12-09. Review status: criteria provided, single submitter. Criteria: ACGS Guidelines, 2013. Collection method: clinical testing. Allele origin: germline. Affected: yes. Study: VKGL Data-share Consensus.

Eurofins Ntd Llc (ga)
Classification: Benign. Last evaluated: 2015-01-22. Review status: criteria provided, single submitter. Criteria: EGL Classification Definitions 2015. Collection method: clinical testing. Allele origin: germline. Observed: 4 variant alleles, 4 heterozygotes.

Genome Diagnostics Laboratory, University Medical Center Utrecht
Classification: Likely benign for Emery-Dreifuss muscular dystrophy 5, autosomal dominant. Last evaluated: 2014-10-09. Review status: criteria provided, single submitter. Criteria: ACGS Guidelines, 2013. Collection method: clinical testing. Allele origin: germline. Affected: yes. Study: VKGL Data-share Consensus.

Breakthrough Genomics
Classification: Likely benign. Review status: criteria provided, single submitter. Criteria: ACMG Guidelines, 2015. Collection method: not provided. Allele origin: germline. Inheritance: Autosomal dominant inheritance. Affected: yes.

Department of Pathology and Laboratory Medicine, Sinai Health System
Classification: Uncertain significance. Review status: no assertion criteria provided. Collection method: clinical testing. Allele origin: unknown. Affected: yes. Study: The Canadian Open Genetics Repository (COGR). Not counted in ClinVar's aggregate classification.

Literature cited by the submitters: PubMed 29970176 (cited by Athena Diagnostics).

NM_182914.3(SYNE2):c.20410G>A (p.Asp6804Asn)

Gene: SYNE2 (spectrin repeat containing nuclear envelope protein 2; plus strand). Cytogenetic location: 14q23.2.
Variant type: single nucleotide variant.
Coding change: c.20410G>A on transcript NM_182914.3 (MANE Select); coding-DNA position 20410, G replaced by A.
Protein change: p.Asp6804Asn; replaces aspartic acid 6804 with asparagine.
Molecular consequence: missense variant.
Genome position (GRCh38, 1-based): chr14:64,224,488, G>A. VCF-style: chr14-64224488-G-A. GRCh37 (hg19) VCF-style: chr14-64691206-G-A.
Other names: c.20341G>A, p.Asp6781Asn (NM_015180.6); c.976G>A, p.Asp326Asn (NM_182910.2); c.1354G>A, p.Asp452Asn (NM_182913.4); short protein forms D6804N, D326N, D452N, D6781N.
Identifiers: ClinVar variation 193956 (VCV000193956.47), dbSNP rs150644129, ClinGen allele CA200882.
Genomic context (GRCh38, chr14:64,224,488, plus strand): 5'-TTCTGTGCTCAACCTTTGGGGTCTGAATTTCAGAACCCAGCCTCACCCCTGCCCAGCTTC[G>A]ACGAGGTAGACTCGGGGGACCAGCCTCCTGCAACATCCGTGCCAGCTCCCCGAGCAAAGG-3'
Protein context (NP_878918.2, residues 6794-6814): QNPASPLPSF[Asp6804Asn]EVDSGDQPPA